The following is an entry in ClinVar:

ClinVar aggregate classification (germline): Uncertain significance (1 of 4 stars; one submission).

gnomAD v4.1: 1 of 1,614,158 alleles (0.000062%); highest among the groups gnomAD compares: Admixed American, 0.0017%; no homozygotes.

Submission:

Labcorp Genetics (formerly Invitae), Labcorp
Classification: Uncertain significance. Last evaluated: 2023-12-30. Review status: criteria provided, single submitter. Criteria: Invitae Variant Classification Sherloc (09022015). Collection method: clinical testing. Allele origin: germline.
Comment: This sequence change replaces alanine, which is neutral and non-polar, with glycine, which is neutral and non-polar, at codon 70 of the TRPM1 protein (p.Ala70Gly). This variant is present in population databases (no rsID available, gnomAD 0.003%). This variant has not been reported in the literature in individuals affected with TRPM1-related conditions. ClinVar contains an entry for this variant (Variation ID: 1064053). Advanced modeling of protein sequence and biophysical properties (such as structural, functional, and spatial information, amino acid conservation, physicochemical variation, residue mobility, and thermodynamic stability) has been performed at Invitae for this missense variant, however the output from this modeling did not meet the statistical confidence thresholds required to predict the impact of this variant on TRPM1 protein function. In summary, the available evidence is currently insufficient to determine the role of this variant in disease. Therefore, it has been classified as a Variant of Uncertain Significance.

NM_001252024.2(TRPM1):c.275C>G (p.Ala92Gly)

Gene: TRPM1 (transient receptor potential cation channel subfamily M member 1; minus strand). Cytogenetic location: 15q13.3.
Variant type: single nucleotide variant.
Coding change: c.275C>G on transcript NM_001252024.2 (MANE Select); coding-DNA position 275, C replaced by G.
Protein change: p.Ala92Gly; replaces alanine 92 with glycine.
Molecular consequence: missense variant.
Genome position (GRCh38, 1-based): chr15:31,070,035, G>C on the plus strand (C>G on the coding strand, the complement: TRPM1 is on the minus strand). VCF-style: chr15-31070035-G-C. GRCh37 (hg19) VCF-style: chr15-31362238-G-C.
Other names: c.326C>G, p.Ala109Gly (NM_001252020.2); c.209C>G, p.Ala70Gly (NM_001252030.2, NM_002420.6); short protein forms A109G, A70G, A92G.
Identifiers: ClinVar variation 1064053 (VCV001064053.9), dbSNP rs1298293488, ClinGen allele CA391536887.